The following is an entry in ClinVar:

NM_001193375.3(NDUFA11):c.362C>T (p.Ser121Leu)

Gene: NDUFA11 (NADH:ubiquinone oxidoreductase subunit A11; minus strand). Cytogenetic location: 19p13.3.
Variant type: single nucleotide variant.
Coding change: c.362C>T on transcript NM_001193375.3; coding-DNA position 362, C replaced by T.
Protein change: p.Ser121Leu; replaces serine 121 with leucine.
Molecular consequence: missense variant.
Genome position (GRCh38, 1-based): chr19:5,893,242, G>A on the plus strand (C>T on the coding strand, the complement: NDUFA11 is on the minus strand). VCF-style: chr19-5893242-G-A. GRCh37 (hg19) VCF-style: chr19-5893253-G-A.
Other names: short protein forms S121L.
Identifiers: ClinVar variation 3054936 (VCV003054936.2), dbSNP rs765860115, ClinGen allele CA304691948.

ClinVar aggregate classification (germline): Uncertain significance (0 of 4 stars; one submission).

Conditions:
NDUFA11-related disorder. Also called: NDUFA11-related condition.

Allele frequency attached by ClinVar (database versions not stated): gnomAD 0.00001; gnomAD exomes 0.00003; TOPMed 0.00003.

Submission:

PreventionGenetics, part of Exact Sciences
Classification: Uncertain significance for NDUFA11-related condition. Last evaluated: 2023-10-25. Review status: no assertion criteria provided. Collection method: clinical testing. Allele origin: germline.
Comment: The NDUFA11 c.362C>T variant is predicted to result in the amino acid substitution p.Ser121Leu. To our knowledge, this variant has not been reported in the literature. This variant is reported in 0.0045% of alleles in individuals of South Asian descent in gnomAD. At this time, the clinical significance of this variant is uncertain due to the absence of conclusive functional and genetic evidence.